The following is an entry in ClinVar:

ClinVar aggregate classification (germline): Uncertain significance (1 of 4 stars; one submission).

Conditions:
Ullrich congenital muscular dystrophy 2 (UCMD2). Identifiers: Orphanet 75840, MedGen C4225314, MONDO:0014654, OMIM 616470.
Bethlem myopathy 2 (BTHLM2). Identifiers: Orphanet 536516, Orphanet 610, MedGen C4225313, MONDO:0034022, OMIM 616471.

gnomAD v4.1: 18 of 1,613,320 alleles (0.0011%); highest among the groups gnomAD compares: Non-Finnish European, 0.0014%; no homozygotes.

Submission:

Labcorp Genetics (formerly Invitae), Labcorp
Classification: Uncertain significance for Bethlem myopathy 2; Ullrich congenital muscular dystrophy 2. Last evaluated: 2024-07-23. Review status: criteria provided, single submitter. Criteria: Invitae Variant Classification Sherloc (09022015). Collection method: clinical testing. Allele origin: germline.
Comment: This sequence change replaces isoleucine, which is neutral and non-polar, with valine, which is neutral and non-polar, at codon 159 of the COL12A1 protein (p.Ile159Val). This variant is not present in population databases (gnomAD no frequency). This variant has not been reported in the literature in individuals affected with COL12A1-related conditions. ClinVar contains an entry for this variant (Variation ID: 660432). Advanced modeling of protein sequence and biophysical properties (such as structural, functional, and spatial information, amino acid conservation, physicochemical variation, residue mobility, and thermodynamic stability) performed at Invitae indicates that this missense variant is not expected to disrupt COL12A1 protein function with a negative predictive value of 80%. In summary, the available evidence is currently insufficient to determine the role of this variant in disease. Therefore, it has been classified as a Variant of Uncertain Significance.

NM_004370.6(COL12A1):c.475A>G (p.Ile159Val)

Gene: COL12A1 (collagen type XII alpha 1 chain; minus strand). Cytogenetic location: 6q13.
Variant type: single nucleotide variant.
Coding change: c.475A>G on transcript NM_004370.6 (MANE Select); coding-DNA position 475, A replaced by G.
Protein change: p.Ile159Val; replaces isoleucine 159 with valine.
Molecular consequence: missense variant. On other transcripts: intron variant (1).
Genome position (GRCh38, 1-based): chr6:75,189,735, T>C on the plus strand (A>G on the coding strand, the complement: COL12A1 is on the minus strand). VCF-style: chr6-75189735-T-C. GRCh37 (hg19) VCF-style: chr6-75899451-T-C.
Other names: c.73+12985A>G (NM_080645.3); short protein forms I159V.
Identifiers: ClinVar variation 660432 (VCV000660432.9), dbSNP rs548978005, ClinGen allele CA364729647.